The following is an entry in ClinVar:

ClinVar aggregate classification (germline): Benign. Review status: criteria provided, single submitter (1 of 4 stars). 2 submissions from 2 submitters: Benign (1). 1 of the submissions does not count toward it. Last evaluated 2018-02-26.

Conditions:
ITSN1-related disorder. Also called: ITSN1-related condition.

Allele frequency attached by ClinVar (database versions not stated): gnomAD exomes 0.00069 and 0.00188; ExAC 0.00217; 1000 Genomes Project 30x 0.00531; 1000 Genomes Project 0.00559; gnomAD 0.00719 and 0.00787; ESP Exome Variant Server 0.00777; TOPMed 0.00792.
gnomAD v4.1: 2,149 of 1,614,116 alleles (0.13%); highest among the groups gnomAD compares: African/African-American, 2.5%; 22 homozygotes.

Submissions (2):

Labcorp Genetics (formerly Invitae), Labcorp
Classification: Benign. Last evaluated: 2018-02-26. Review status: criteria provided, single submitter. Criteria: Invitae Variant Classification Sherloc (09022015). Collection method: clinical testing. Allele origin: germline.

PreventionGenetics, part of Exact Sciences
Classification: Benign for ITSN1-related condition. Last evaluated: 2019-10-28. Review status: no assertion criteria provided. Collection method: clinical testing. Allele origin: germline. Not counted in ClinVar's aggregate classification.
Comment: This variant is classified as benign based on ACMG/AMP sequence variant interpretation guidelines (Richards et al. 2015 PMID: 25741868, with internal and published modifications).

NM_003024.3(ITSN1):c.450T>C (p.Val150=)

Gene: ITSN1 (intersectin 1; plus strand). Cytogenetic location: 21q22.11.
Variant type: single nucleotide variant.
Coding change: c.450T>C on transcript NM_003024.3 (MANE Select); coding-DNA position 450, T replaced by C.
Protein change: p.Val150=; no amino-acid change (valine 150 retained).
Molecular consequence: synonymous variant. On other transcripts: intron variant (1).
Genome position (GRCh38, 1-based): chr21:33,750,246, T>C. VCF-style: chr21-33750246-T-C. GRCh37 (hg19) VCF-style: chr21-35122551-T-C.
Other names: c.450T>C, p.Val150= (NM_001001132.2, NM_001331008.2, NM_001331009.2 and 2 more transcripts); c.347-8T>C (NM_001331012.2); c.450T>C (NM_003024.2).
Identifiers: ClinVar variation 786371 (VCV000786371.5), dbSNP rs7276194, ClinGen allele CA10011303.